The following is an entry in ClinVar:

ClinVar aggregate classification (germline): Uncertain significance. Review status: criteria provided, multiple submitters, no conflicts (2 of 4 stars). 2 submissions from 2 submitters: Uncertain significance (2). Last evaluated 2025-03-07.

Conditions:
Familial thoracic aortic aneurysm and aortic dissection (TAAD). Also called: Thoracic aortic aneurysms and dissections. Identifiers: Orphanet 91387, MedGen C4707243, MONDO:0019625.
Ehlers-Danlos syndrome, type 4 (EDSVASC). Also called: Ehlers-Danlos syndrome vascular type; Ehlers Danlos syndrome, ecchymotic type; Ehlers Danlos syndrome, arterial type; Ehlers Danlos syndrome, Sack-Barabas type; Ehlers-Danlos Syndrome Type IV. Identifiers: Orphanet 286, MedGen C0268338, MONDO:0017314, OMIM 130050.

Allele frequency attached by ClinVar (database versions not stated): gnomAD 0.00001.
gnomAD v4.1: 9 of 1,613,576 alleles (0.00056%); highest among the groups gnomAD compares: Admixed American, 0.0017%; no homozygotes.

Submissions (2):

Labcorp Genetics (formerly Invitae), Labcorp
Classification: Uncertain significance for Ehlers-Danlos syndrome, type 4. Last evaluated: 2025-03-07. Review status: criteria provided, single submitter. Criteria: Invitae Variant Classification Sherloc (09022015). Collection method: clinical testing. Allele origin: germline.
Comment: This sequence change replaces aspartic acid, which is acidic and polar, with asparagine, which is neutral and polar, at codon 548 of the COL3A1 protein (p.Asp548Asn). This variant is present in population databases (no rsID available, gnomAD 0.0009%). This variant has not been reported in the literature in individuals affected with COL3A1-related conditions. ClinVar contains an entry for this variant (Variation ID: 459766). Invitae Evidence Modeling of protein sequence and biophysical properties (such as structural, functional, and spatial information, amino acid conservation, physicochemical variation, residue mobility, and thermodynamic stability) indicates that this missense variant is not expected to disrupt COL3A1 protein function with a negative predictive value of 95%. In summary, the available evidence is currently insufficient to determine the role of this variant in disease. Therefore, it has been classified as a Variant of Uncertain Significance.

Color Diagnostics, LLC DBA Color Health
Classification: Uncertain significance for Familial thoracic aortic aneurysm and aortic dissection. Last evaluated: 2024-03-06. Review status: criteria provided, single submitter. Criteria: ACMG Guidelines, 2015. Collection method: clinical testing. Allele origin: germline.
Comment: This missense variant replaces aspartic acid with asparagine at codon 548 of the COL3A1 protein. Computational prediction suggests that this variant may not impact protein structure and function (internally defined REVEL score threshold <= 0.5, PMID: 27666373). To our knowledge, functional studies have not been reported for this variant. This variant has not been reported in individuals affected with cardiovascular disorders in the literature. This variant has been identified in 1/251260 chromosomes in the general population by the Genome Aggregation Database (gnomAD). The available evidence is insufficient to determine the role of this variant in disease conclusively. Therefore, this variant is classified as a Variant of Uncertain Significance.

NM_000090.4(COL3A1):c.1642G>A (p.Asp548Asn)

Gene: COL3A1 (collagen type III alpha 1 chain; plus strand). Cytogenetic location: 2q32.2.
Variant type: single nucleotide variant.
Coding change: c.1642G>A on transcript NM_000090.4 (MANE Select); coding-DNA position 1642, G replaced by A.
Protein change: p.Asp548Asn; replaces aspartic acid 548 with asparagine.
Molecular consequence: missense variant.
Genome position (GRCh38, 1-based): chr2:188,996,158, G>A. VCF-style: chr2-188996158-G-A. GRCh37 (hg19) VCF-style: chr2-189860884-G-A.
Other names: short protein forms D548N.
Identifiers: ClinVar variation 459766 (VCV000459766.10), dbSNP rs1293397335, ClinGen allele CA349852466.